The following is an entry in ClinVar:

NM_001142864.4(PIEZO1):c.2006A>T (p.Asp669Val)

Genes: HSALR1 (HSP90AB1 associated lncRNA 1; plus strand), PIEZO1 (piezo type mechanosensitive ion channel component 1 (Er blood group); minus strand). Cytogenetic location: 16q24.3.
Variant type: single nucleotide variant.
Coding change: c.2006A>T on transcript NM_001142864.4 (MANE Select); coding-DNA position 2006, A replaced by T.
Protein change: p.Asp669Val; replaces aspartic acid 669 with valine.
Molecular consequence: missense variant.
Genome position (GRCh38, 1-based): chr16:88,734,530, T>A on the plus strand (A>T on the coding strand, the complement: PIEZO1 is on the minus strand). VCF-style: chr16-88734530-T-A. GRCh37 (hg19) VCF-style: chr16-88800938-T-A.
Other names: short protein forms D669V.
Identifiers: ClinVar variation 3715563 (VCV003715563.2).

ClinVar aggregate classification (germline): Uncertain significance (1 of 4 stars; one submission).

Submission:

Labcorp Genetics (formerly Invitae), Labcorp
Classification: Uncertain significance. Last evaluated: 2025-01-27. Review status: criteria provided, single submitter. Criteria: Invitae Variant Classification Sherloc (09022015). Collection method: clinical testing. Allele origin: germline.
Comment: This sequence change replaces aspartic acid, which is acidic and polar, with valine, which is neutral and non-polar, at codon 669 of the PIEZO1 protein (p.Asp669Val). This variant is not present in population databases (gnomAD no frequency). This variant has not been reported in the literature in individuals affected with PIEZO1-related conditions. Invitae Evidence Modeling of protein sequence and biophysical properties (such as structural, functional, and spatial information, amino acid conservation, physicochemical variation, residue mobility, and thermodynamic stability) indicates that this missense variant is not expected to disrupt PIEZO1 protein function with a negative predictive value of 80%. This variant disrupts the p.Asp669 amino acid residue in PIEZO1. Other variant(s) that disrupt this residue have been observed in individuals with PIEZO1-related conditions (PMID: 30187933, 31340627, 31670187), which suggests that this may be a clinically significant amino acid residue. In summary, the available evidence is currently insufficient to determine the role of this variant in disease. Therefore, it has been classified as a Variant of Uncertain Significance.

Literature cited by the submitters: PubMed 30187933; PubMed 31340627; PubMed 31670187.